The following is an entry in ClinVar:

ClinVar aggregate classification (germline): Pathogenic/Likely pathogenic. Review status: criteria provided, multiple submitters, no conflicts (2 of 4 stars). 2 submissions from 2 submitters: Pathogenic (1); Likely pathogenic (1). Last evaluated 2024-02-27.

Conditions:
Hereditary diffuse gastric adenocarcinoma (HDGC). Also called: DIFFUSE GASTRIC AND LOBULAR BREAST CANCER SYNDROME. Identifiers: Orphanet 26106, MedGen C1708349, MONDO:0007648, OMIM 137215.

Submissions (2):

Department of Pathology and Laboratory Medicine, Sinai Health System
Classification: Likely pathogenic for Hereditary diffuse gastric adenocarcinoma. Last evaluated: 2024-02-27. Review status: criteria provided, single submitter. Criteria: ACMG Guidelines, 2015. Collection method: clinical testing. Allele origin: germline. Affected: yes.

Myriad Genetics, Inc.
Classification: Pathogenic for Hereditary diffuse gastric adenocarcinoma. Last evaluated: 2023-06-08. Review status: criteria provided, single submitter. Criteria: Myriad Autosomal Dominant, Autosomal Recessive and X-Linked Classification Criteria (2023). Collection method: clinical testing. Allele origin: unknown.
Comment: This variant is considered pathogenic. This variant creates a frameshift predicted to result in premature protein truncation.

NM_004360.5(CDH1):c.244_248del (p.Val82fs)

Gene: CDH1 (cadherin 1; plus strand). Cytogenetic location: 16q22.1.
Variant type: Deletion.
Coding change: c.244_248del on transcript NM_004360.5 (MANE Select); coding-DNA positions 244 to 248, 5 bases deleted (GTGAT; older notation c.244_248delGTGAT).
Protein change: p.Val82fs; shifts the reading frame from valine 82.
Molecular consequence: frameshift variant. On other transcripts: 5 prime UTR variant (2).
Genome position (GRCh38, 1-based): chr16:68,801,750-68,801,754, GTGAT deleted; deleting any 5 consecutive bases within chr16:68,801,749-68,801,754 gives the same sequence; the c. name uses the placement nearest the transcript's 3' end. VCF-style (leftmost placement, unchanged base first): chr16-68801748-GTGTGA-G. GRCh37 (hg19) VCF-style: chr16-68835651-GTGTGA-G.
Other names: c.244_248del, p.Val82fs (NM_001317184.2); c.-1372_-1368del (NM_001317185.2); c.-1576_-1572del (NM_001317186.2); short protein forms V82fs.
Identifiers: ClinVar variation 2583384 (VCV002583384.3), dbSNP rs2543904994, ClinGen allele CA2582342550.
Genomic context (GRCh38, chr16:68,801,748, plus strand): 5'-CCGGTCGACAAAGGACAGCCTATTTTTCCCTCGACACCCGATTCAAAGTGGGCACAGATG[GTGTGA>G]TTACAGTCAAAAGGCCTCTACGGTTTCATAACCCACAGATCCATTTCTTGGTCTACGCCT-3'